The following is an entry in ClinVar:

ClinVar aggregate classification (germline): Uncertain significance (1 of 4 stars; one submission).

Conditions:
Inborn genetic diseases. Identifiers: MedGen C0950123, MeSH D030342.

Submission:

Ambry Genetics
Classification: Uncertain significance for Inborn genetic diseases. Last evaluated: 2025-09-26. Review status: criteria provided, single submitter. Criteria: Ambry Variant Classification Scheme 2023. Collection method: clinical testing. Allele origin: germline.
Comment: The p.N541S variant (also known as c.1622A>G), located in coding exon 13 of the BUB1B gene, results from an A to G substitution at nucleotide position 1622. The asparagine at codon 541 is replaced by serine, an amino acid with highly similar properties. This amino acid position is conserved. In addition, this alteration is predicted to be tolerated by in silico analysis. Based on the available evidence, the clinical significance of this variant remains unclear.

NM_001211.6(BUB1B):c.1622A>G (p.Asn541Ser)

Gene: BUB1B (BUB1 mitotic checkpoint serine/threonine kinase B; plus strand). Cytogenetic location: 15q15.1.
Variant type: single nucleotide variant.
Coding change: c.1622A>G on transcript NM_001211.6 (MANE Select); coding-DNA position 1622, A replaced by G.
Protein change: p.Asn541Ser; replaces asparagine 541 with serine.
Molecular consequence: missense variant.
Genome position (GRCh38, 1-based): chr15:40,202,459, A>G. VCF-style: chr15-40202459-A-G. GRCh37 (hg19) VCF-style: chr15-40494660-A-G.
Other names: short protein forms N541S.
Identifiers: ClinVar variation 4600267 (VCV004600267.1).